The following is an entry in ClinVar:

NM_004360.5(CDH1):c.115T>G (p.Phe39Val)

Gene: CDH1 (cadherin 1; plus strand). Cytogenetic location: 16q22.1.
Variant type: single nucleotide variant.
Coding change: c.115T>G on transcript NM_004360.5 (MANE Select); coding-DNA position 115, T replaced by G.
Protein change: p.Phe39Val; replaces phenylalanine 39 with valine.
Molecular consequence: missense variant. On other transcripts: 5 prime UTR variant (2).
Genome position (GRCh38, 1-based): chr16:68,738,363, T>G. VCF-style: chr16-68738363-T-G. GRCh37 (hg19) VCF-style: chr16-68772266-T-G.
Other names: c.115T>G, p.Phe39Val (NM_001317184.2); c.-1501T>G (NM_001317185.2); c.-1705T>G (NM_001317186.2); short protein forms F39V.
Identifiers: ClinVar variation 3664220 (VCV003664220.2).

ClinVar aggregate classification (germline): Uncertain significance (1 of 4 stars; one submission).

Conditions:
Hereditary diffuse gastric adenocarcinoma (HDGC). Also called: DIFFUSE GASTRIC AND LOBULAR BREAST CANCER SYNDROME. Identifiers: Orphanet 26106, MedGen C1708349, MONDO:0007648, OMIM 137215.

Submission:

Labcorp Genetics (formerly Invitae), Labcorp
Classification: Uncertain significance for Hereditary diffuse gastric adenocarcinoma. Last evaluated: 2024-09-02. Review status: criteria provided, single submitter. Criteria: Invitae Variant Classification Sherloc (09022015). Collection method: clinical testing. Allele origin: germline.
Comment: This sequence change replaces phenylalanine, which is neutral and non-polar, with valine, which is neutral and non-polar, at codon 39 of the CDH1 protein (p.Phe39Val). This variant is not present in population databases (gnomAD no frequency). This variant has not been reported in the literature in individuals affected with CDH1-related conditions. An algorithm developed to predict the effect of missense changes on protein structure and function (PolyPhen-2) suggests that this variant is likely to be disruptive. In summary, the available evidence is currently insufficient to determine the role of this variant in disease. Therefore, it has been classified as a Variant of Uncertain Significance.